The following is an entry in ClinVar:

NM_001374736.1(DST):c.17595+1G>A

Gene: DST (dystonin; minus strand). Cytogenetic location: 6p12.1.
Variant type: single nucleotide variant.
Coding change: c.17595+1G>A on transcript NM_001374736.1 (MANE Select); the canonical splice donor site of the intron after coding-DNA position 17595, G replaced by A.
Molecular consequence: splice donor variant. On other transcripts: intron variant (2).
Genome position (GRCh38, 1-based): chr6:56,529,447, C>T on the plus strand (G>A on the coding strand, the complement: DST is on the minus strand). VCF-style: chr6-56529447-C-T. GRCh37 (hg19) VCF-style: chr6-56394245-C-T.
Other names: c.11238+1G>A (NM_001144769.5); c.17595+1G>A (NM_001374722.1); c.17622+1G>A (NM_001374734.1); c.10824+1G>A (NM_001144770.2); c.10378-522G>A (NM_001374730.1); c.10704+1G>A (NM_001386100.1, NM_183380.4); c.16636-522G>A (NM_001374729.1); c.9726+1G>A (NM_015548.5).
Identifiers: ClinVar variation 968603 (VCV000968603.1), dbSNP rs2096858510, ClinGen allele CA364507621.
Genomic context (GRCh38, chr6:56,529,447, plus strand): 5'-GACTAAGAAATAATGACAATTGAAATGAAAAAATAAGATAAAATAAAATAAATCAAAATA[C>T]CCGAAGTTCAGACTGCTGCTTCCATAGCCCCTCAGTGCTGTAATCCTGGACTGAGAGCTT-3'

ClinVar aggregate classification (germline): Likely pathogenic (1 of 4 stars; one submission).

Conditions:
Hereditary sensory and autonomic neuropathy type 6. Also called: Neuropathy, hereditary sensory and autonomic, type VI; HSAN VI. Identifiers: Orphanet 314381, MedGen C3539003, MONDO:0013839, OMIM 614653.
Epidermolysis bullosa simplex 3, localized or generalized intermediate, with BP230 deficiency (EBS3). Also called: Epidermolysis bullosa simplex, autosomal recessive 2; Epidermolysis bullosa simplex due to BP230 deficiency. Identifiers: Orphanet 412181, MedGen C3809470, MONDO:0014180, OMIM 615425.

Submission:

Labcorp Genetics (formerly Invitae), Labcorp
Classification: Likely pathogenic for Epidermolysis bullosa simplex, autosomal recessive 2; Neuropathy, hereditary sensory and autonomic, type VI. Last evaluated: 2019-05-14. Review status: criteria provided, single submitter. Criteria: Invitae Variant Classification Sherloc (09022015). Collection method: clinical testing. Allele origin: germline.
Comment: This sequence change affects a donor splice site in intron 47 of the DST gene. It is expected to disrupt RNA splicing and likely results in an absent or disrupted protein product. The DST gene has multiple clinically relevant transcripts. The c.9726+1G>A variant occurs in alternate transcript NM_015548.4, which corresponds to c.*86070G>A in NM_001723.5, the primary transcript listed in the Methods. This variant is not present in population databases (ExAC no frequency). This variant has not been reported in the literature in individuals with DST-related conditions. Donor and acceptor splice site variants typically lead to a loss of protein function (PMID: 16199547), and loss-of-function variants in DST are known to be pathogenic (PMID: 25059916). In summary, the currently available evidence indicates that the variant is pathogenic, but additional data are needed to prove that conclusively. Therefore, this variant has been classified as Likely Pathogenic.

Literature cited by the submitters: PubMed 25059916.